The following is an entry in ClinVar:

ClinVar aggregate classification (germline): Pathogenic/Likely pathogenic. Review status: criteria provided, multiple submitters, no conflicts (2 of 4 stars). 2 submissions from 2 submitters: Pathogenic (1); Likely pathogenic (1). Last evaluated 2023-02-02.

Conditions:
Hereditary nonpolyposis colorectal neoplasms. Identifiers: MedGen C0009405, MeSH D003123.
Endometrial carcinoma. Also called: Endometrial carcinoma, somatic. Identifiers: MedGen C0476089, MONDO:0002447, OMIM 608089, HP:0012114.

Submissions (2):

Baylor Genetics
Classification: Likely pathogenic for Endometrial carcinoma. Last evaluated: 2023-02-02. Review status: criteria provided, single submitter. Criteria: ACMG Guidelines, 2015. Collection method: clinical testing. Allele origin: unknown.

Labcorp Genetics (formerly Invitae), Labcorp
Classification: Pathogenic for Hereditary nonpolyposis colorectal neoplasms. Last evaluated: 2022-11-15. Review status: criteria provided, single submitter. Criteria: Invitae Variant Classification Sherloc (09022015). Collection method: clinical testing. Allele origin: germline.
Comment: For these reasons, this variant has been classified as Pathogenic. This variant has not been reported in the literature in individuals affected with MSH6-related conditions. This variant disrupts a region of the MSH6 protein in which other variant(s) (p.Leu1330Valfs*12) have been determined to be pathogenic (PMID: 19851887, 21155762). This suggests that this is a clinically significant region of the protein, and that variants that disrupt it are likely to be disease-causing. Algorithms developed to predict the effect of sequence changes on RNA splicing suggest that this variant may disrupt the consensus splice site. ClinVar contains an entry for this variant (Variation ID: 410519). This variant is not present in population databases (gnomAD no frequency). This sequence change creates a premature translational stop signal (p.Lys1325*) in the MSH6 gene. While this is not anticipated to result in nonsense mediated decay, it is expected to disrupt the last 36 amino acid(s) of the MSH6 protein.

Literature cited by the submitters: PubMed 19851887 (cited by Labcorp Genetics (formerly Invitae), Labcorp); PubMed 21155762 (cited by Labcorp Genetics (formerly Invitae), Labcorp).

NM_000179.3(MSH6):c.3973A>T (p.Lys1325Ter)

Gene: MSH6 (mutS homolog 6; plus strand). Cytogenetic location: 2p16.3.
Variant type: single nucleotide variant.
Coding change: c.3973A>T on transcript NM_000179.3 (MANE Select); coding-DNA position 3973, A replaced by T.
Protein change: p.Lys1325Ter; replaces lysine 1325 with a stop codon.
Molecular consequence: nonsense.
Genome position (GRCh38, 1-based): chr2:47,806,623, A>T. VCF-style: chr2-47806623-A-T. GRCh37 (hg19) VCF-style: chr2-48033762-A-T.
Other names: c.3583A>T, p.Lys1195Ter (NM_001281492.2); c.3067A>T, p.Lys1023Ter (NM_001281493.2, NM_001281494.2); short protein forms K1325*, K1195*, K1023*.
Identifiers: ClinVar variation 410519 (VCV000410519.11), dbSNP rs1060502937, ClinGen allele CA16610965.